The following is an entry in ClinVar:

ClinVar aggregate classification (germline): Benign (1 of 4 stars; one submission).

Allele frequency attached by ClinVar (database versions not stated): 1000 Genomes Project 0.00140; 1000 Genomes Project 30x 0.00156; TOPMed 0.00646; ESP Exome Variant Server 0.00707; ExAC 0.00727; gnomAD 0.00784.

Submission:

CeGaT Center for Human Genetics Tuebingen
Classification: Benign. Last evaluated: 2023-01-01. Review status: criteria provided, single submitter. Criteria: CeGaT Center For Human Genetics Tuebingen Variant Classification Criteria Version 2. Collection method: clinical testing. Allele origin: germline. Affected: yes. Observed: 1 variant allele.
Comment: GGA3: BS1, BS2

NM_138619.4(GGA3):c.656A>G (p.Glu219Gly)

Gene: GGA3 (golgi associated, gamma adaptin ear containing, ARF binding protein 3; minus strand). Cytogenetic location: 17q25.1.
Variant type: single nucleotide variant.
Coding change: c.656A>G on transcript NM_138619.4 (MANE Select); coding-DNA position 656, A replaced by G.
Protein change: p.Glu219Gly; replaces glutamic acid 219 with glycine.
Molecular consequence: missense variant.
Genome position (GRCh38, 1-based): chr17:75,242,427, T>C on the plus strand (A>G on the coding strand, the complement: GGA3 is on the minus strand). VCF-style: chr17-75242427-T-C. GRCh37 (hg19) VCF-style: chr17-73238508-T-C.
Other names: c.440A>G, p.Glu147Gly (NM_001172703.3, NM_001291641.2); c.290A>G, p.Glu97Gly (NM_001172704.3, NM_001291642.2); c.557A>G, p.Glu186Gly (NM_014001.5); short protein forms E147G, E186G, E219G, E97G.
Identifiers: ClinVar variation 2648250 (VCV002648250.24), dbSNP rs52809447, ClinGen allele CA8759786.